The following is an entry in ClinVar:

NM_012330.4(KAT6B):c.1145C>A (p.Thr382Asn)

Gene: KAT6B (lysine acetyltransferase 6B; plus strand). Cytogenetic location: 10q22.2.
Variant type: single nucleotide variant.
Coding change: c.1145C>A on transcript NM_012330.4 (MANE Select); coding-DNA position 1145, C replaced by A.
Protein change: p.Thr382Asn; replaces threonine 382 with asparagine.
Molecular consequence: missense variant. On other transcripts: intron variant (11).
Genome position (GRCh38, 1-based): chr10:74,975,482, C>A. VCF-style: chr10-74975482-C-A. GRCh37 (hg19) VCF-style: chr10-76735240-C-A.
Other names: c.1145C>A, p.Thr382Asn (NM_001256468.2, NM_001370136.1, NM_001370137.1 and 1 more transcripts); c.1117+28C>A (NM_001370139.1, NM_001370140.1, NM_001370141.1 and 3 more transcripts); c.846+5707C>A (NM_001370133.1); c.193-3742C>A (NM_001370134.1); c.929-1834C>A (NM_001370143.1, NM_001370144.1); c.193-13537C>A (NM_001370135.1); short protein forms T382N.
Identifiers: ClinVar variation 2977857 (VCV002977857.3), dbSNP rs774124384, ClinGen allele CA5564366.

ClinVar aggregate classification (germline): Uncertain significance (1 of 4 stars; one submission).

Conditions:
Genitopatellar syndrome (GTPTS). Also called: ABSENT PATELLAE, SCROTAL HYPOPLASIA, RENAL ANOMALIES, FACIAL DYSMORPHISM, AND MENTAL RETARDATION; Genitopatellar syndrome (GPS). Identifiers: Orphanet 85201, MedGen C1853566, MONDO:0011640, OMIM 606170.

Allele frequency attached by ClinVar (database versions not stated): gnomAD exomes below 0.00001; ExAC 0.00001.
gnomAD v4.1: 1 of 1,614,106 alleles (0.000062%); highest among the groups gnomAD compares: Non-Finnish European, 0.000085%; no homozygotes.

Submission:

Labcorp Genetics (formerly Invitae), Labcorp
Classification: Uncertain significance for Genitopatellar syndrome. Last evaluated: 2025-07-07. Review status: criteria provided, single submitter. Criteria: Invitae Variant Classification Sherloc (09022015). Collection method: clinical testing. Allele origin: germline.
Comment: This sequence change replaces threonine, which is neutral and polar, with asparagine, which is neutral and polar, at codon 382 of the KAT6B protein (p.Thr382Asn). This variant is present in population databases (rs774124384, gnomAD 0.0009%). This variant has not been reported in the literature in individuals affected with KAT6B-related conditions. ClinVar contains an entry for this variant (Variation ID: 2977857). An algorithm developed to predict the effect of missense changes on protein structure and function (PolyPhen-2) suggests that this variant is likely to be tolerated. In summary, the available evidence is currently insufficient to determine the role of this variant in disease. Therefore, it has been classified as a Variant of Uncertain Significance.